The following is an entry in ClinVar:

NM_001304438.2(TMEM132E):c.1684C>T (p.Arg562Trp)

Gene: TMEM132E (transmembrane protein 132E; plus strand). Cytogenetic location: 17q12.
Variant type: single nucleotide variant.
Coding change: c.1684C>T on transcript NM_001304438.2 (MANE Select); coding-DNA position 1684, C replaced by T.
Protein change: p.Arg562Trp; replaces arginine 562 with tryptophan.
Molecular consequence: missense variant.
Genome position (GRCh38, 1-based): chr17:34,632,905, C>T. VCF-style: chr17-34632905-C-T. GRCh37 (hg19) VCF-style: chr17-32959924-C-T.
Other names: c.1684C>T (NM_001304438.1); short protein forms R562W.
Identifiers: ClinVar variation 1417403 (VCV001417403.4), dbSNP rs148901847, ClinGen allele CA8496759.

ClinVar aggregate classification (germline): Uncertain significance. Review status: criteria provided, multiple submitters, no conflicts (2 of 4 stars). 2 submissions from 2 submitters: Uncertain significance (2). Last evaluated 2026-01-27.

Conditions:
TMEM132E-related disorder. Also called: TMEM132E-related condition.

Allele frequency attached by ClinVar (database versions not stated): ExAC 0.00036; gnomAD exomes 0.00039; 1000 Genomes Project 30x 0.00047; gnomAD 0.00054; 1000 Genomes Project 0.00060; TOPMed 0.00062; ESP Exome Variant Server 0.00085.
gnomAD v4.1: 992 of 1,614,076 alleles (0.061%); highest among the groups gnomAD compares: Non-Finnish European, 0.078%; 1 homozygote.

Submissions (2):

PreventionGenetics, part of Exact Sciences
Classification: Uncertain significance for TMEM132E-related condition. Last evaluated: 2026-01-27. Review status: criteria provided, single submitter. Criteria: ACMG Guidelines, 2015. Collection method: clinical testing. Allele origin: germline.
Comment: The TMEM132E c.1684C>T variant is predicted to result in the amino acid substitution p.Arg562Trp. To our knowledge, this variant has not been reported in the literature. This variant is reported in 0.068% of alleles in individuals of European (Non-Finnish) descent in gnomAD. Although we suspect that this variant may be benign, at this time, the clinical significance of this variant is uncertain due to the absence of conclusive functional and genetic evidence.

Labcorp Genetics (formerly Invitae), Labcorp
Classification: Uncertain significance. Last evaluated: 2021-12-17. Review status: criteria provided, single submitter. Criteria: Invitae Variant Classification Sherloc (09022015). Collection method: clinical testing. Allele origin: germline.
Comment: This sequence change replaces arginine, which is basic and polar, with tryptophan, which is neutral and slightly polar, at codon 562 of the TMEM132E protein (p.Arg562Trp). This variant is present in population databases (rs148901847, gnomAD 0.07%). This variant has not been reported in the literature in individuals affected with TMEM132E-related conditions. Algorithms developed to predict the effect of missense changes on protein structure and function are either unavailable or do not agree on the potential impact of this missense change (SIFT: "Deleterious"; PolyPhen-2: "Not Available"; Align-GVGD: "Class C0"). In summary, the available evidence is currently insufficient to determine the role of this variant in disease. Therefore, it has been classified as a Variant of Uncertain Significance.